The following is an entry in ClinVar:

NM_004104.5(FASN):c.6659G>A (p.Arg2220His)

Gene: FASN (fatty acid synthase; minus strand). Cytogenetic location: 17q25.3.
Variant type: single nucleotide variant.
Coding change: c.6659G>A on transcript NM_004104.5 (MANE Select); coding-DNA position 6659, G replaced by A.
Protein change: p.Arg2220His; replaces arginine 2220 with histidine.
Molecular consequence: missense variant.
Genome position (GRCh38, 1-based): chr17:82,080,859, C>T on the plus strand (G>A on the coding strand, the complement: FASN is on the minus strand). VCF-style: chr17-82080859-C-T. GRCh37 (hg19) VCF-style: chr17-80038735-C-T.
Other names: short protein forms R2220H.
Identifiers: ClinVar variation 941041 (VCV000941041.9), dbSNP rs761888209, ClinGen allele CA8851224.

ClinVar aggregate classification (germline): Uncertain significance (1 of 4 stars; one submission).

Conditions:
Epileptic encephalopathy. Identifiers: MedGen C0543888, HP:0200134.

Allele frequency attached by ClinVar (database versions not stated): gnomAD exomes below 0.00001 and 0.00001; ExAC 0.00001; gnomAD 0.00001; TOPMed 0.00003.
gnomAD v4.1: 6 of 1,611,262 alleles (0.00037%); highest among the groups gnomAD compares: Admixed American, 0.0017%; no homozygotes.

Submission:

Labcorp Genetics (formerly Invitae), Labcorp
Classification: Uncertain significance for Epileptic encephalopathy. Last evaluated: 2019-08-14. Review status: criteria provided, single submitter. Criteria: Invitae Variant Classification Sherloc (09022015). Collection method: clinical testing. Allele origin: germline.
Comment: This variant is present in population databases (rs761888209, ExAC 0.01%). In summary, the available evidence is currently insufficient to determine the role of this variant in disease. Therefore, it has been classified as a Variant of Uncertain Significance. Algorithms developed to predict the effect of missense changes on protein structure and function (SIFT, PolyPhen-2, Align-GVGD) all suggest that this variant is likely to be tolerated, but these predictions have not been confirmed by published functional studies and their clinical significance is uncertain. This variant has not been reported in the literature in individuals with FASN-related conditions. This sequence change replaces arginine with histidine at codon 2220 of the FASN protein (p.Arg2220His). The arginine residue is weakly conserved and there is a small physicochemical difference between arginine and histidine.